The following is an entry in ClinVar:

ClinVar aggregate classification (germline): Likely benign (1 of 4 stars; one submission).

Submission:

CeGaT Center for Human Genetics Tuebingen
Classification: Likely benign. Last evaluated: 2024-12-01. Review status: criteria provided, single submitter. Criteria: CeGaT Center For Human Genetics Tuebingen Variant Classification Criteria Version 2. Collection method: clinical testing. Allele origin: germline. Affected: yes. Observed: 1 variant allele.
Comment: MPEG1: BP4, BP7, BS2

NM_001039396.2(MPEG1):c.1905G>T (p.Pro635=)

Gene: MPEG1 (macrophage expressed 1; minus strand). Cytogenetic location: 11q12.1.
Variant type: single nucleotide variant.
Coding change: c.1905G>T on transcript NM_001039396.2 (MANE Select); coding-DNA position 1905, G replaced by T.
Protein change: p.Pro635=; no amino-acid change (proline 635 retained).
Molecular consequence: synonymous variant.
Genome position (GRCh38, 1-based): chr11:59,210,961, C>A on the plus strand (G>T on the coding strand, the complement: MPEG1 is on the minus strand). VCF-style: chr11-59210961-C-A. GRCh37 (hg19) VCF-style: chr11-58978434-C-A.
Identifiers: ClinVar variation 3770442 (VCV003770442.13).
Genomic context (GRCh38, chr11:59,210,961, plus strand): 5'-CCCTCCTGACAGACCACCACCATCCCCATGGATGACATTCATGGCCCTCCGCAGCTCTAT[C>A]GGTTCTCCCAGCCTCCACTGGTGGGTCTGGGAGTCTTTAATCCAGGATCTCGCATTCTCA-3'
Protein context (NP_001034485.1, residues 625-645): SQTHQWRLGE[Pro635=]IELRRAMNVI